The following is an entry in ClinVar:

ClinVar aggregate classification (germline): Benign/Likely benign. Review status: criteria provided, multiple submitters, no conflicts (2 of 4 stars). 3 submissions from 3 submitters: Benign (1); Likely benign (2). Last evaluated 2025-12-15.

Conditions:
Inborn genetic diseases. Identifiers: MedGen C0950123, MeSH D030342.
Early-infantile DEE. Also called: Early infantile epileptic encephalopathy; Ohtahara syndrome; Early infantile epileptic encephalopathy with suppression bursts. Identifiers: Orphanet 1934, MedGen C0393706, MONDO:0800491.

Allele frequency attached by ClinVar (database versions not stated): gnomAD exomes 0.00012; gnomAD 0.00005 and 0.00006; TOPMed 0.00007; ExAC 0.00008.
gnomAD v4.1: 103 of 1,614,010 alleles (0.0064%); highest among the groups gnomAD compares: Admixed American, 0.058%; no homozygotes.

Submissions (3):

Labcorp Genetics (formerly Invitae), Labcorp
Classification: Likely benign for Early-infantile DEE. Last evaluated: 2025-12-15. Review status: criteria provided, single submitter. Criteria: Invitae Variant Classification Sherloc (09022015). Collection method: clinical testing. Allele origin: germline.

Ambry Genetics
Classification: Likely benign for Inborn genetic diseases. Last evaluated: 2018-02-27. Review status: criteria provided, single submitter. Criteria: Ambry Variant Classification Scheme 2023. Collection method: clinical testing. Allele origin: germline.

GeneDx
Classification: Benign. Last evaluated: 2014-10-09. Review status: criteria provided, single submitter. Criteria: GeneDx Variant Classification (06012015). Collection method: clinical testing. Allele origin: germline. Affected: yes.
Comment: This variant is considered likely benign or benign based on one or more of the following criteria: it is a conservative change, it occurs at a poorly conserved position in the protein, it is predicted to be benign by multiple in silico algorithms, and/or has population frequency not consistent with disease.

NM_001330260.2(SCN8A):c.3966C>T (p.Gly1322=)

Gene: SCN8A (sodium voltage-gated channel alpha subunit 8; plus strand). Cytogenetic location: 12q13.13.
Variant type: single nucleotide variant.
Coding change: c.3966C>T on transcript NM_001330260.2 (MANE Select); coding-DNA position 3966, C replaced by T.
Protein change: p.Gly1322=; no amino-acid change (glycine 1322 retained).
Molecular consequence: synonymous variant.
Genome position (GRCh38, 1-based): chr12:51,786,565, C>T. VCF-style: chr12-51786565-C-T. GRCh37 (hg19) VCF-style: chr12-52180349-C-T.
Other names: p.G1322G:GGC>GGT; c.3843C>T, p.Gly1281= (NM_001177984.3, NM_001369788.1); c.3966C>T, p.Gly1322= (NM_014191.4).
Identifiers: ClinVar variation 207099 (VCV000207099.14), dbSNP rs775267842, ClinGen allele CA318237.
Genomic context (GRCh38, chr12:51,786,565, plus strand): 5'-TCCACCCAACACTGAGCAACCTCCCCTTCCAATGCAGGTGGTGGTGAATGCCTTGGTGGG[C>T]GCCATCCCCTCCATCATGAATGTGCTGCTGGTGTGTCTCATCTTCTGGCTGATTTTCAGC-3'
Protein context (NP_001317189.1, residues 1312-1332): GMRVVVNALV[Gly1322=]AIPSIMNVLL